The following is an entry in ClinVar:

NM_001386795.1(DTNA):c.1176-1G>C

Gene: DTNA (dystrobrevin alpha; plus strand). Cytogenetic location: 18q12.1.
Variant type: single nucleotide variant.
Coding change: c.1176-1G>C on transcript NM_001386795.1 (MANE Select); the canonical splice acceptor site of the intron before coding-DNA position 1176, G replaced by C.
Molecular consequence: splice acceptor variant. On other transcripts: intron variant (32).
Genome position (GRCh38, 1-based): chr18:34,838,093, G>C. VCF-style: chr18-34838093-G-C. GRCh37 (hg19) VCF-style: chr18-32418057-G-C.
Other names: c.1095-10203G>C (NM_032975.4, NM_001386761.1, NM_001386762.1 and 1 more transcripts); c.1175+8604G>C (NM_001386754.1, NM_001386755.1, NM_001386760.1 and 5 more transcripts); c.1086-10203G>C (NM_001386763.1, NM_001386764.1, NM_001386768.1 and 13 more transcripts); c.604-13738G>C (NM_001198945.2); c.1176-1G>C (NM_001386788.1); c.1086-1G>C (NM_032978.7); c.1095-1G>C (NM_001390.5, NM_001391.5); c.336-10203G>C (NM_001198943.1); and 4 more.
Identifiers: ClinVar variation 3683595 (VCV003683595.2).

ClinVar aggregate classification (germline): Uncertain significance (1 of 4 stars; one submission).

Conditions:
Left ventricular noncompaction 1 (LVNC1). Also called: LEFT VENTRICULAR NONCOMPACTION 1 WITH OR WITHOUT CONGENITAL HEART DEFECTS. Identifiers: Orphanet 54260, MedGen C1858725, MONDO:0011403, OMIM 604169.

gnomAD v4.1: 8 of 1,613,650 alleles (0.0005%); highest among the groups gnomAD compares: African/African-American, 0.0027%; no homozygotes.

Submission:

Labcorp Genetics (formerly Invitae), Labcorp
Classification: Uncertain significance for Left ventricular noncompaction 1. Last evaluated: 2024-10-15. Review status: criteria provided, single submitter. Criteria: Invitae Variant Classification Sherloc (09022015). Collection method: clinical testing. Allele origin: germline.
Comment: This sequence change affects an acceptor splice site in intron 10 of the DTNA gene. It is expected to disrupt RNA splicing. Variants that disrupt the donor or acceptor splice site typically lead to a loss of protein function (PMID: 16199547), however the current clinical and genetic evidence is not sufficient to establish whether loss-of-function variants in DTNA cause disease. This variant is not present in population databases (gnomAD no frequency). This variant has not been reported in the literature in individuals affected with DTNA-related conditions. Algorithms developed to predict the effect of sequence changes on RNA splicing suggest that this variant may disrupt the consensus splice site. In summary, the available evidence is currently insufficient to determine the role of this variant in disease. Therefore, it has been classified as a Variant of Uncertain Significance.

Literature cited by the submitters: PubMed 16199547.